The following is an entry in ClinVar:

NM_001371273.1(NYAP2):c.1194C>G (p.Ala398=)

Gene: NYAP2 (neuronal tyrosine-phosphorylated phosphoinositide-3-kinase adaptor 2; plus strand). Cytogenetic location: 2q36.3.
Variant type: single nucleotide variant.
Coding change: c.1194C>G on transcript NM_001371273.1 (MANE Select); coding-DNA position 1194, C replaced by G.
Protein change: p.Ala398=; no amino-acid change (alanine 398 retained).
Molecular consequence: synonymous variant.
Genome position (GRCh38, 1-based): chr2:225,582,611, C>G. VCF-style: chr2-225582611-C-G. GRCh37 (hg19) VCF-style: chr2-226447327-C-G.
Other names: c.1194C>G, p.Ala398= (NM_020864.2).
Identifiers: ClinVar variation 2651951 (VCV002651951.24), dbSNP rs746284766, ClinGen allele CA431671498.

ClinVar aggregate classification (germline): Likely benign (1 of 4 stars; one submission).

gnomAD v4.1: 1 of 1,593,592 alleles (0.000063%); highest among the groups gnomAD compares: Non-Finnish European, 0.000085%; no homozygotes.

Submission:

CeGaT Center for Human Genetics Tuebingen
Classification: Likely benign. Last evaluated: 2022-10-01. Review status: criteria provided, single submitter. Criteria: CeGaT Center For Human Genetics Tuebingen Variant Classification Criteria Version 2. Collection method: clinical testing. Allele origin: germline. Affected: yes. Observed: 1 variant allele.
Comment: NYAP2: PM2:Supporting, BP4, BP7